The following is an entry in ClinVar:

NM_000257.4(MYH7):c.3854-14T>G

Gene: MYH7 (myosin heavy chain 7; minus strand). Cytogenetic location: 14q11.2.
Variant type: single nucleotide variant.
Coding change: c.3854-14T>G on transcript NM_000257.4 (MANE Select); 14 bases into the intron before coding-DNA position 3854, T replaced by G.
Molecular consequence: intron variant.
Genome position (GRCh38, 1-based): chr14:23,419,309, A>C on the plus strand (T>G on the coding strand, the complement: MYH7 is on the minus strand). VCF-style: chr14-23419309-A-C. GRCh37 (hg19) VCF-style: chr14-23888518-A-C.
Other names: c.3854-14T>G (LRG_384t1).
Identifiers: ClinVar variation 432208 (VCV000432208.15), dbSNP rs371212384, ClinGen allele CA039283.

ClinVar aggregate classification (germline): Conflicting classifications of pathogenicity. Review status: criteria provided, conflicting classifications (1 of 4 stars). 4 submissions from 4 submitters: Uncertain significance (3); Likely benign (1). Last evaluated 2026-01-06.

Conditions:
Cardiomyopathy (CMYO). Also called: Cardiomyopathies. Identifiers: Orphanet 167848, MedGen C0878544, MONDO:0004994, HP:0001638. Inheritance: Various modes of inheritance.
Hypertrophic cardiomyopathy. Also called: HYPERTROPHIC MYOCARDIOPATHY. Identifiers: Orphanet 217569, MedGen C0007194, MeSH D002312, MONDO:0005045, HP:0001639.

Allele frequency attached by ClinVar (database versions not stated): gnomAD exomes 0.00001 and 0.00002; ExAC 0.00002; gnomAD 0.00003 and 0.00004; TOPMed 0.00003; ESP Exome Variant Server 0.00015.
gnomAD v4.1: 10 of 1,613,904 alleles (0.00062%); highest among the groups gnomAD compares: African/African-American, 0.012%; no homozygotes.

Submissions (4):

Labcorp Genetics (formerly Invitae), Labcorp
Classification: Likely benign for Hypertrophic cardiomyopathy. Last evaluated: 2026-01-06. Review status: criteria provided, single submitter. Criteria: Invitae Variant Classification Sherloc (09022015). Collection method: clinical testing. Allele origin: germline.

All of Us Research Program, National Institutes of Health
Classification: Uncertain significance for Cardiomyopathy. Last evaluated: 2023-04-27. Review status: criteria provided, single submitter. Criteria: ACMG Guidelines, 2015. Collection method: clinical testing. Allele origin: germline. Inheritance: Autosomal dominant inheritance. Observed: 2 variant alleles, 2 heterozygotes.
Comment: This variant causes a T to G nucleotide substitution at the -14 position of intron 28 of the MYH7 gene. Splice prediction tools are inconclusive regarding the impact of this variant on RNA splicing. To our knowledge, functional studies have not been reported for this variant. This variant has not been reported in individuals affected with MYH7-related disorders in the literature. This variant has been identified in 6/282858 chromosomes in the general population by the Genome Aggregation Database (gnomAD). The available evidence is insufficient to determine the role of this variant in disease conclusively. Therefore, this variant is classified as a Variant of Uncertain Significance.

This study involves interpretation of variants in research participants for the purpose of population health screening. Participant phenotype was not available at the time of variant classification. Additional details can be found in publication PMID: 35346344, PMCID: PMC8962531

Color Diagnostics, LLC DBA Color Health
Classification: Uncertain significance for Cardiomyopathy. Last evaluated: 2023-01-19. Review status: criteria provided, single submitter. Criteria: ACMG Guidelines, 2015. Collection method: clinical testing. Allele origin: germline.
Comment: This variant causes a T to G nucleotide substitution at the -14 position of intron 28 of the MYH7 gene. Splice prediction tools are inconclusive regarding the impact of this variant on RNA splicing. To our knowledge, functional studies have not been reported for this variant. This variant has not been reported in individuals affected with MYH7-related disorders in the literature. This variant has been identified in 6/282858 chromosomes in the general population by the Genome Aggregation Database (gnomAD). The available evidence is insufficient to determine the role of this variant in disease conclusively. Therefore, this variant is classified as a Variant of Uncertain Significance.

GeneDx
Classification: Uncertain significance. Last evaluated: 2017-05-25. Review status: criteria provided, single submitter. Criteria: GeneDx Variant Classification (06012015). Collection method: clinical testing. Allele origin: germline. Affected: yes.
Comment: A variant of uncertain significance has been identified in the MYH7 gene. The c.3854-14 T>G variant has not been published as a pathogenic variant, nor has it been reported as a benign variant to our knowledge. The c.3854-14 T>G variant is observed in 3/10,406 (0.03%) alleles from individuals of African background (Lek et al., 2016; 1000 Genomes Consortium et al., 2015; Exome Variant Server). Several in-silico splice prediction models predict that c.3854-14 T>G may damage or destroy the natural acceptor site and lead to abnormal gene splicing. However, in the absence of RNA/functional studies, the actual effect of this sequence change in this individual is unknown. Additionally, this substitution occurs at a position that is not conserved. Therefore, based on the currently available information, it is unclear whether this variant is a pathogenic variant or a rare benign variant.